The following is an entry in ClinVar:

ClinVar aggregate classification (germline): Uncertain significance (1 of 4 stars; one submission).

Submission:

Labcorp Genetics (formerly Invitae), Labcorp
Classification: Uncertain significance. Last evaluated: 2022-08-23. Review status: criteria provided, single submitter. Criteria: Invitae Variant Classification Sherloc (09022015). Collection method: clinical testing. Allele origin: germline.
Comment: In summary, the available evidence is currently insufficient to determine the role of this variant in disease. Therefore, it has been classified as a Variant of Uncertain Significance. Algorithms developed to predict the effect of missense changes on protein structure and function (SIFT, PolyPhen-2, Align-GVGD) all suggest that this variant is likely to be disruptive. This variant has not been reported in the literature in individuals affected with TRIM8-related conditions. This variant is not present in population databases (gnomAD no frequency). This sequence change replaces serine, which is neutral and polar, with phenylalanine, which is neutral and non-polar, at codon 117 of the TRIM8 protein (p.Ser117Phe).

NM_030912.3(TRIM8):c.350C>T (p.Ser117Phe)

Gene: TRIM8 (tripartite motif containing 8; plus strand). Cytogenetic location: 10q24.32.
Variant type: single nucleotide variant.
Coding change: c.350C>T on transcript NM_030912.3 (MANE Select); coding-DNA position 350, C replaced by T.
Protein change: p.Ser117Phe; replaces serine 117 with phenylalanine.
Molecular consequence: missense variant. On other transcripts: non-coding transcript variant (1).
Genome position (GRCh38, 1-based): chr10:102,644,967, C>T. VCF-style: chr10-102644967-C-T. GRCh37 (hg19) VCF-style: chr10-104404724-C-T.
Other names: c.350C>T, p.Ser117Phe (NM_001345950.1); short protein forms S117F.
Identifiers: ClinVar variation 2066069 (VCV002066069.4), dbSNP rs2492888036, ClinGen allele CA377925014.